The following is an entry in ClinVar:

NM_205768.3(ZBTB18):c.607A>C (p.Ile203Leu)

Gene: ZBTB18 (zinc finger and BTB domain containing 18; plus strand). Cytogenetic location: 1q44.
Variant type: single nucleotide variant.
Coding change: c.607A>C on transcript NM_205768.3 (MANE Select); coding-DNA position 607, A replaced by C.
Protein change: p.Ile203Leu; replaces isoleucine 203 with leucine.
Molecular consequence: missense variant.
Genome position (GRCh38, 1-based): chr1:244,054,381, A>C. VCF-style: chr1-244054381-A-C. GRCh37 (hg19) VCF-style: chr1-244217683-A-C.
Other names: c.580A>C, p.Ile194Leu (NM_001278196.2, NM_006352.5); c.607A>C, p.Ile203Leu (NM_001421566.1); short protein forms I194L, I203L.
Identifiers: ClinVar variation 3697480 (VCV003697480.3).
Genomic context (GRCh38, chr1:244,054,381, plus strand): 5'-AGGGACTTGGCGGCCGAGCCTGGGAACATGTGGATGCGATTGCCCTCAGACTCAGCAGGC[A>C]TCCCCCAGGCTGGCGGAGAGGCAGAGCCACACGCCACAGCAGCTGGAAAAACAGTAGCCA-3'
Protein context (NP_991331.1, residues 193-213): WMRLPSDSAG[Ile203Leu]PQAGGEAEPH

ClinVar aggregate classification (germline): Conflicting classifications of pathogenicity. Review status: criteria provided, conflicting classifications (1 of 4 stars). 2 submissions from 2 submitters: Uncertain significance (1); Likely benign (1). Last evaluated 2024-05-02.

Submissions (2):

Labcorp Genetics (formerly Invitae), Labcorp
Classification: Uncertain significance. Last evaluated: 2024-05-02. Review status: criteria provided, single submitter. Criteria: Invitae Variant Classification Sherloc (09022015). Collection method: clinical testing. Allele origin: germline.
Comment: This sequence change replaces isoleucine, which is neutral and non-polar, with leucine, which is neutral and non-polar, at codon 203 of the ZBTB18 protein (p.Ile203Leu). This variant is present in population databases (rs756199381, gnomAD 0.02%). This variant has not been reported in the literature in individuals affected with ZBTB18-related conditions. Advanced modeling of protein sequence and biophysical properties (such as structural, functional, and spatial information, amino acid conservation, physicochemical variation, residue mobility, and thermodynamic stability) performed at Invitae indicates that this missense variant is not expected to disrupt ZBTB18 protein function with a negative predictive value of 95%. In summary, the available evidence is currently insufficient to determine the role of this variant in disease. Therefore, it has been classified as a Variant of Uncertain Significance.

Blueprint Genetics
Classification: Likely benign. Last evaluated: 2022-09-06. Review status: criteria provided, single submitter. Criteria: ACMG Guidelines, 2015. Collection method: clinical testing. Allele origin: germline.